The following is an entry in ClinVar:

NM_054027.6(ANKH):c.*3628T>C

Genes: ANKH (ANKH inorganic pyrophosphate transport regulator; minus strand), OTULIN (OTU deubiquitinase with linear linkage specificity; plus strand). Cytogenetic location: 5p15.2.
Variant type: single nucleotide variant.
Coding change: c.*3628T>C on transcript NM_054027.6 (MANE Select); 3628 bases downstream of the stop codon, T replaced by C.
Molecular consequence: 3 prime UTR variant.
Genome position (GRCh38, 1-based): chr5:14,707,569, A>G on the plus strand (T>C on the coding strand, the complement: ANKH is on the minus strand). VCF-style: chr5-14707569-A-G. GRCh37 (hg19) VCF-style: chr5-14707678-A-G.
Identifiers: ClinVar variation 351431 (VCV000351431.6), dbSNP rs141052195, ClinGen allele CA10623004.
Genomic context (GRCh38, chr5:14,707,569, plus strand): 5'-CCAACCAGGAGAGAGATCCAGAGGGCTGGGAGTGAGCACTCCTGAGCTGGCCCCGCTGCG[A>G]CGCATCCTGGCGTCTGGAGAACTCAGCCCAACTCTGTCACTACCCTGGGAGCTCCCAGGC-3'

ClinVar aggregate classification (germline): Benign. Review status: criteria provided, multiple submitters, no conflicts (2 of 4 stars). 3 submissions from 2 submitters: Benign (3). Last evaluated 2018-01-12.

Conditions:
Chondrocalcinosis 2. Also called: CALCIUM GOUT; CALCIUM PYROPHOSPHATE ARTHROPATHY; Familial calcium pyrophosphate deposition. Identifiers: Orphanet 1416, MedGen C0856830, MONDO:0007319, OMIM 118600.
Craniometaphyseal dysplasia, autosomal dominant (CMDD). Identifiers: Orphanet 1522, MedGen C1852502, MONDO:0007397, OMIM 123000.

Allele frequency attached by ClinVar (database versions not stated): 1000 Genomes Project 0.01318; gnomAD 0.01460; 1000 Genomes Project 30x 0.01483; TOPMed 0.01592.

Submissions (3):

Illumina Laboratory Services, Illumina
Classification: Benign for Chondrocalcinosis 2. Last evaluated: 2018-01-12. Review status: criteria provided, single submitter. Criteria: ICSL Variant Classification Criteria 13 December 2019. Collection method: clinical testing. Allele origin: germline.
Comment: This variant was observed in the ICSL laboratory as part of a predisposition screen in an ostensibly healthy population. It had not been previously curated by ICSL or reported in the Human Gene Mutation Database (HGMD: prior to June 1st, 2018), and was therefore a candidate for classification through an automated scoring system. Utilizing variant allele frequency, disease prevalence and penetrance estimates, and inheritance mode, an automated score was calculated to assess if this variant is too frequent to cause the disease. Based on the score and internal cut-off values, a variant classified as benign is not then subjected to further curation. The score for this variant resulted in a classification of benign for this disease.

Illumina Laboratory Services, Illumina
Classification: Benign for Craniometaphyseal dysplasia, autosomal dominant. Last evaluated: 2018-01-12. Review status: criteria provided, single submitter. Criteria: ICSL Variant Classification Criteria 13 December 2019. Collection method: clinical testing. Allele origin: germline.
Comment: the same text as in the submission from Illumina Laboratory Services, Illumina above.

Breakthrough Genomics
Classification: Benign. Review status: criteria provided, single submitter. Criteria: ACMG Guidelines, 2015. Collection method: not provided. Allele origin: germline. Inheritance: Autosomal dominant inheritance. Affected: yes.